The following is an entry in ClinVar:

NM_002117.6(HLA-C):c.499A>T (p.Thr167Ser)

Gene: HLA-C (major histocompatibility complex, class I, C; minus strand). Cytogenetic location: 6p21.33.
Variant type: single nucleotide variant.
Coding change: c.499A>T on transcript NM_002117.6 (MANE Select); coding-DNA position 499, A replaced by T.
Protein change: p.Thr167Ser; replaces threonine 167 with serine.
Molecular consequence: missense variant.
Genome position (GRCh38, 1-based): chr6:31,271,193, T>A on the plus strand (A>T on the coding strand, the complement: HLA-C is on the minus strand). VCF-style: chr6-31271193-T-A. GRCh37 (hg19) VCF-style: chr6-31238970-T-A.
Other names: short protein forms T167S.
Identifiers: ClinVar variation 3777797 (VCV003777797.7).

ClinVar aggregate classification (germline): Likely benign (1 of 4 stars; one submission).

Submission:

CeGaT Center for Human Genetics Tuebingen
Classification: Likely benign. Last evaluated: 2025-03-01. Review status: criteria provided, single submitter. Criteria: CeGaT Center For Human Genetics Tuebingen Variant Classification Criteria Version 2. Collection method: clinical testing. Allele origin: germline. Affected: yes. Observed: 1 variant allele.
Comment: HLA-C: BP4, BS1